The following is an entry in ClinVar:

ClinVar aggregate classification (germline): Likely benign. Review status: criteria provided, multiple submitters, no conflicts (2 of 4 stars). 2 submissions from 2 submitters: Likely benign (2). Last evaluated 2023-12-18.

Allele frequency attached by ClinVar (database versions not stated): gnomAD 0.00005; gnomAD exomes 0.00006; TOPMed 0.00007; ExAC 0.00013; 1000 Genomes Project 0.00026; 1000 Genomes Project 30x 0.00042.
gnomAD v4.1: 79 of 1,209,644 alleles (0.0065%); highest among the groups gnomAD compares: Middle Eastern, 0.069%; no homozygotes.

Submissions (2):

Ambry Genetics
Classification: Likely benign. Last evaluated: 2023-12-18. Review status: criteria provided, single submitter. Criteria: Ambry Variant Classification Scheme 2023. Collection method: clinical testing. Allele origin: germline.

CeGaT Center for Human Genetics Tuebingen
Classification: Likely benign. Last evaluated: 2022-10-01. Review status: criteria provided, single submitter. Criteria: CeGaT Center For Human Genetics Tuebingen Variant Classification Criteria Version 2. Collection method: clinical testing. Allele origin: germline. Affected: yes. Observed: 1 variant allele.
Comment: UTP14A: BP4, BP7

NM_006649.4(UTP14A):c.1944G>A (p.Arg648=)

Genes: UTP14A (UTP14A small subunit processome component; plus strand), LOC105373335 (uncharacterized LOC105373335; minus strand). Cytogenetic location: Xq26.1.
Variant type: single nucleotide variant.
Coding change: c.1944G>A on transcript NM_006649.4 (MANE Select); coding-DNA position 1944, G replaced by A.
Protein change: p.Arg648=; no amino-acid change (arginine 648 retained).
Molecular consequence: synonymous variant.
Genome position (GRCh38, 1-based): chrX:129,926,240, G>A. VCF-style: chrX-129926240-G-A. GRCh37 (hg19) VCF-style: chrX-129060216-G-A.
Other names: c.1788G>A, p.Arg596= (NM_001166221.2); c.1944G>A (NM_006649.3).
Identifiers: ClinVar variation 2661408 (VCV002661408.25), dbSNP rs200840740, ClinGen allele CA10513978.